The following is an entry in ClinVar:

NM_199420.4(POLQ):c.5126A>G (p.Glu1709Gly)

Gene: POLQ (DNA polymerase theta; minus strand). Cytogenetic location: 3q13.33.
Variant type: single nucleotide variant.
Coding change: c.5126A>G on transcript NM_199420.4 (MANE Select); coding-DNA position 5126, A replaced by G.
Protein change: p.Glu1709Gly; replaces glutamic acid 1709 with glycine.
Molecular consequence: missense variant.
Genome position (GRCh38, 1-based): chr3:121,487,805, T>C on the plus strand (A>G on the coding strand, the complement: POLQ is on the minus strand). VCF-style: chr3-121487805-T-C. GRCh37 (hg19) VCF-style: chr3-121206652-T-C.
Other names: short protein forms E1709G.
Identifiers: ClinVar variation 1745508 (VCV001745508.2), dbSNP rs780241473, ClinGen allele CA2562788.

ClinVar aggregate classification (germline): Uncertain significance (1 of 4 stars; one submission).

Allele frequency attached by ClinVar (database versions not stated): TOPMed below 0.00001; gnomAD 0.00001; gnomAD exomes 0.00001; ExAC 0.00002.
gnomAD v4.1: 5 of 1,610,160 alleles (0.00031%); highest among the groups gnomAD compares: Non-Finnish European, 0.00042%; no homozygotes.

Submission:

Ambry Genetics
Classification: Uncertain significance. Last evaluated: 2023-10-13. Review status: criteria provided, single submitter. Criteria: Ambry Variant Classification Scheme 2023. Collection method: clinical testing. Allele origin: germline.
Comment: The p.E1709G variant (also known as c.5126A>G), located in coding exon 16 of the POLQ gene, results from an A to G substitution at nucleotide position 5126. The glutamic acid at codon 1709 is replaced by glycine, an amino acid with similar properties. This amino acid position is conserved. In addition, this alteration is predicted to be tolerated by in silico analysis. Since supporting evidence is limited at this time, the clinical significance of this alteration remains unclear.